The following is an entry in ClinVar:

NM_000043.6(FAS):c.563_566del (p.Val188fs)

Gene: FAS (Fas cell surface death receptor; plus strand). Cytogenetic location: 10q23.31.
Variant type: Deletion.
Coding change: c.563_566del on transcript NM_000043.6 (MANE Select); coding-DNA positions 563 to 566, 4 bases deleted (TTTG; older notation c.563_566delTTTG).
Protein change: p.Val188fs; shifts the reading frame from valine 188.
Molecular consequence: frameshift variant. On other transcripts: non-coding transcript variant (5), intron variant (1).
Genome position (GRCh38, 1-based): chr10:89,010,810-89,010,813, TTTG deleted; deleting any 4 consecutive bases within chr10:89,010,807-89,010,813 gives the same sequence; the c. name uses the placement nearest the transcript's 3' end. VCF-style (leftmost placement, unchanged base first): chr10-89010806-ATTGT-A. GRCh37 (hg19) VCF-style: chr10-90770563-ATTGT-A.
Other names: c.563_566del, p.Val188fs (NM_001320619.2, NM_152872.4); c.505+210_505+213del (NM_152871.4); short protein forms V188fs.
Identifiers: ClinVar variation 861416 (VCV000861416.1), dbSNP rs1207744817, ClinGen allele CA669677598.

ClinVar aggregate classification (germline): Pathogenic (1 of 4 stars; one submission).

Conditions:
Autoimmune lymphoproliferative syndrome type 1. Also called: AUTOIMMUNE LYMPHOPROLIFERATIVE SYNDROME, TYPE I, AUTOSOMAL DOMINANT. Identifiers: Orphanet 3261, MedGen C2717884, MONDO:0011158, OMIM 601859.

Submission:

Labcorp Genetics (formerly Invitae), Labcorp
Classification: Pathogenic for Autoimmune lymphoproliferative syndrome. Last evaluated: 2019-03-26. Review status: criteria provided, single submitter. Criteria: Invitae Variant Classification Sherloc (09022015). Collection method: clinical testing. Allele origin: germline.
Comment: This sequence change creates a premature translational stop signal (p.Val188Glyfs*2) in the FAS gene. It is expected to result in an absent or disrupted protein product. This variant is not present in population databases (ExAC no frequency). This variant has not been reported in the literature in individuals with FAS-related disease. Loss-of-function variants in FAS are known to be pathogenic (PMID: 10875918, 22237435). For these reasons, this variant has been classified as Pathogenic.